The following is an entry in ClinVar:

ClinVar aggregate classification (germline): Likely benign. Review status: criteria provided, multiple submitters, no conflicts (2 of 4 stars). 2 submissions from 2 submitters: Likely benign (2). Last evaluated 2026-05-29.

Conditions:
Gastrointestinal stromal tumor. Also called: Gastrointestinal stroma tumor; Gastrointestinal stromal tumor, somatic. Identifiers: Orphanet 44890, MedGen C0238198, MeSH D046152, MONDO:0011719, OMIM 606764, HP:0100723.

Allele frequency attached by ClinVar (database versions not stated): gnomAD exomes below 0.00001; TOPMed below 0.00001; gnomAD 0.00001.
gnomAD v4.1: 7 of 1,612,874 alleles (0.00043%); highest among the groups gnomAD compares: Admixed American, 0.0017%; no homozygotes.

Submissions (2):

Myriad Genetics, Inc.
Classification: Likely benign for Gastrointestinal stromal tumor. Last evaluated: 2026-05-29. Review status: criteria provided, single submitter. Criteria: Myriad Autosomal Dominant, Autosomal Recessive and X-Linked Classification Criteria (2023). Collection method: clinical testing. Allele origin: unknown.
Comment: This variant is considered likely benign. This variant is intronic and is not expected to impact mRNA splicing.

Labcorp Genetics (formerly Invitae), Labcorp
Classification: Likely benign for Gastrointestinal stromal tumor. Last evaluated: 2026-01-27. Review status: criteria provided, single submitter. Criteria: Invitae Variant Classification Sherloc (09022015). Collection method: clinical testing. Allele origin: germline.

NM_000222.3(KIT):c.1991-12A>G

Gene: KIT (KIT proto-oncogene, receptor tyrosine kinase; plus strand). Cytogenetic location: 4q12.
Variant type: single nucleotide variant.
Coding change: c.1991-12A>G on transcript NM_000222.3 (MANE Select); 12 bases into the intron before coding-DNA position 1991, A replaced by G.
Molecular consequence: intron variant.
Genome position (GRCh38, 1-based): chr4:54,729,323, A>G. VCF-style: chr4-54729323-A-G. GRCh37 (hg19) VCF-style: chr4-55595489-A-G.
Other names: c.1994-12A>G (NM_001385284.1, NM_001385290.1); c.1982-12A>G (NM_001385288.1, NM_001385292.1); c.1991-12A>G (NM_001385285.1); c.1979-12A>G (NM_001093772.2, NM_001385286.1).
Identifiers: ClinVar variation 2058120 (VCV002058120.5), dbSNP rs1019837982, ClinGen allele CA96876962.